The following is an entry in ClinVar:

ClinVar aggregate classification (germline): Conflicting classifications of pathogenicity. Review status: criteria provided, conflicting classifications (1 of 4 stars). 12 submissions from 12 submitters: Uncertain significance (8); Likely benign (1). 3 of the submissions do not count toward it. Last evaluated 2026-06-01.

Conditions:
Inborn genetic diseases. Identifiers: MedGen C0950123, MeSH D030342.
Neuronal ceroid lipofuscinosis. Also called: Neuronal Ceroid Lipofuscinoses. Identifiers: Orphanet 216, Orphanet 79263, MedGen C0027877, MONDO:0016295. Disease mechanism: loss of function.
Neuronal ceroid lipofuscinosis 5 (CLN5). Also called: CLN5-Related Neuronal Ceroid-Lipofuscinosis; CEROID LIPOFUSCINOSIS, NEURONAL, 5, VARIABLE AGE AT ONSET; Neuronal ceroid lipofuscinosis Finnish variant; NEURONAL CEROID LIPOFUSCINOSIS, LATE INFANTILE, FINNISH VARIANT. Identifiers: Orphanet 168491, Orphanet 228360, MedGen C1850442, MONDO:0009745, OMIM 256731.

Allele frequency attached by ClinVar (database versions not stated): ESP Exome Variant Server 0.00031; gnomAD exomes 0.00055 and 0.00096; gnomAD 0.00058 and 0.00059; ExAC 0.00060; TOPMed 0.00061.

Submissions (12):

CeGaT Center for Human Genetics Tuebingen
Classification: Uncertain significance. Last evaluated: 2026-06-01. Review status: criteria provided, single submitter. Criteria: CeGaT Center For Human Genetics Tuebingen Variant Classification Criteria Version 2. Collection method: clinical testing. Allele origin: germline. Affected: yes. Observed: 1 variant allele.
Comment: CLN5: PM2

Mayo Clinic Laboratories, Mayo Clinic
Classification: Uncertain significance. Last evaluated: 2025-11-21. Review status: criteria provided, single submitter. Criteria: ACMG Guidelines, 2015. Collection method: clinical testing. Allele origin: germline. Observed: 2 variant alleles.
Comment: BP4

GeneDx
Classification: Uncertain significance. Last evaluated: 2025-03-21. Review status: criteria provided, single submitter. Criteria: GeneDx Variant Classification Process June 2021. Collection method: clinical testing. Allele origin: germline. Affected: yes.
Comment: Reported in the heterozygous state in two unrelated individuals who were suspected to have a lysosomal storage disorder; a second CLN5 variant was not identified, and no additional information was provided (PMID: 24767253); In silico analysis indicates that this missense variant does not alter protein structure/function; This variant is associated with the following publications: (PMID: 24767253)

Blueprint Genetics
Classification: Likely benign. Last evaluated: 2024-11-13. Review status: criteria provided, single submitter. Criteria: ACMG Guidelines, 2015. Collection method: clinical testing. Allele origin: germline.

Ambry Genetics
Classification: Uncertain significance for Inborn genetic diseases. Last evaluated: 2024-05-13. Review status: criteria provided, single submitter. Criteria: Ambry Variant Classification Scheme 2023. Collection method: clinical testing. Allele origin: germline.
Comment: The c.606G>A (p.M202I) alteration is located in exon 3 (coding exon 3) of the CLN5 gene. This alteration results from a G to A substitution at nucleotide position 606, causing the methionine (M) at amino acid position 202 to be replaced by an isoleucine (I). Based on data from the Genome Aggregation Database (gnomAD) database, the CLN5 c.606G>A alteration was observed in 0.05% (146/282884) of total alleles studied, with a frequency of 0.1% (126/129190) in the European (non-Finnish) subpopulation. This variant was identified in two individuals with a clinical suspicion of a lysosomal storage disease; however, no second CLN5 variants were identified (Fern&aacute;ndez-Marmiesse, 2014). This amino acid position is not well conserved in available vertebrate species. The p.M202I alteration is predicted to be tolerated by in silico analysis. Based on insufficient or conflicting evidence, the clinical significance of this alteration remains unclear.

Labcorp Genetics (formerly Invitae), Labcorp
Classification: Uncertain significance for Neuronal ceroid lipofuscinosis. Last evaluated: 2022-10-31. Review status: criteria provided, single submitter. Criteria: Invitae Variant Classification Sherloc (09022015). Collection method: clinical testing. Allele origin: germline.
Comment: This sequence change replaces methionine, which is neutral and non-polar, with isoleucine, which is neutral and non-polar, at codon 202 of the CLN5 protein (p.Met202Ile). This variant is present in population databases (rs144656959, gnomAD 0.09%), and has an allele count higher than expected for a pathogenic variant. This missense change has been observed in individual(s) with lysosomal storage disease (PMID: 24767253). ClinVar contains an entry for this variant (Variation ID: 205145). Advanced modeling of protein sequence and biophysical properties (such as structural, functional, and spatial information, amino acid conservation, physicochemical variation, residue mobility, and thermodynamic stability) performed at Invitae indicates that this missense variant is not expected to disrupt CLN5 protein function. In summary, the available evidence is currently insufficient to determine the role of this variant in disease. Therefore, it has been classified as a Variant of Uncertain Significance.

Genome-Nilou Lab
Classification: Uncertain significance for Neuronal ceroid lipofuscinosis 5. Last evaluated: 2021-09-05. Review status: criteria provided, single submitter. Criteria: ACMG Guidelines, 2015. Collection method: clinical testing. Allele origin: germline. Affected: no.

Illumina Laboratory Services, Illumina
Classification: Uncertain significance for Neuronal ceroid lipofuscinosis 5. Last evaluated: 2018-01-13. Review status: criteria provided, single submitter. Criteria: ICSL Variant Classification Criteria 13 December 2019. Collection method: clinical testing. Allele origin: germline.

Eurofins Ntd Llc (ga)
Classification: Uncertain significance. Last evaluated: 2015-06-29. Review status: criteria provided, single submitter. Criteria: EGL Classification Definitions 2015. Collection method: clinical testing. Allele origin: germline. Observed: 1 variant allele, 1 heterozygote.

Natera, Inc.
Classification: Uncertain significance for Neuronal ceroid lipofuscinosis 5. Last evaluated: 2020-04-16. Review status: no assertion criteria provided. Collection method: clinical testing. Allele origin: germline. Not counted in ClinVar's aggregate classification.

Clinical Genetics DNA and cytogenetics Diagnostics Lab, Erasmus MC, Erasmus Medical Center
Classification: Likely benign. Review status: no assertion criteria provided. Collection method: clinical testing. Allele origin: germline. Affected: yes. Study: VKGL Data-share Consensus. Not counted in ClinVar's aggregate classification.

Genome Diagnostics Laboratory, Amsterdam University Medical Center
Classification: Likely benign. Review status: no assertion criteria provided. Collection method: clinical testing. Allele origin: germline. Affected: yes. Study: VKGL Data-share Consensus. Not counted in ClinVar's aggregate classification.

Literature cited by the submitters: PubMed 24767253 (cited by 3 submitters).

NM_006493.4(CLN5):c.459G>A (p.Met153Ile)

Gene: CLN5 (CLN5 lysosomal BMP synthase; plus strand). Cytogenetic location: 13q22.3.
Variant type: single nucleotide variant.
Coding change: c.459G>A on transcript NM_006493.4 (MANE Select); coding-DNA position 459, G replaced by A.
Protein change: p.Met153Ile; replaces methionine 153 with isoleucine.
Molecular consequence: missense variant.
Genome position (GRCh38, 1-based): chr13:76,996,021, G>A. VCF-style: chr13-76996021-G-A. GRCh37 (hg19) VCF-style: chr13-77570156-G-A.
Other names: p.M202I:ATG>ATA; p.Met202Ile; p.Met153Ile; c.606G>A (LRG_692t1); c.459G>A, p.Met153Ile (NM_001366624.2); short protein forms M153I.
Identifiers: ClinVar variation 205145 (VCV000205145.34), dbSNP rs144656959, ClinGen allele CA313921.